The following is an entry in ClinVar:

ClinVar aggregate classification (germline): Uncertain significance. Review status: criteria provided, multiple submitters, no conflicts (2 of 4 stars). 2 submissions from 2 submitters: Uncertain significance (2). Last evaluated 2022-11-17.

Conditions:
Cornelia de Lange syndrome 1 (CDLS1). Also called: Brachmann de Lange syndrome; NIPBL-Related Cornelia de Lange Syndrome; TYPUS DEGENERATIVUS AMSTELODAMENSIS. Identifiers: Orphanet 199, MedGen C4551851, MONDO:0007387, OMIM 122470.

Allele frequency attached by ClinVar (database versions not stated): ExAC 0.00001; gnomAD 0.00001; gnomAD exomes 0.00001; 1000 Genomes Project 30x 0.00016.
gnomAD v4.1: 18 of 1,613,918 alleles (0.0011%); highest among the groups gnomAD compares: Admixed American, 0.0033%; no homozygotes.

Submissions (2):

Labcorp Genetics (formerly Invitae), Labcorp
Classification: Uncertain significance for Cornelia de Lange syndrome 1. Last evaluated: 2022-11-17. Review status: criteria provided, single submitter. Criteria: Invitae Variant Classification Sherloc (09022015). Collection method: clinical testing. Allele origin: germline.
Comment: In summary, the available evidence is currently insufficient to determine the role of this variant in disease. Therefore, it has been classified as a Variant of Uncertain Significance. Algorithms developed to predict the effect of sequence changes on RNA splicing suggest that this variant may create or strengthen a splice site. Algorithms developed to predict the effect of missense changes on protein structure and function are either unavailable or do not agree on the potential impact of this missense change (SIFT: "Tolerated"; PolyPhen-2: "Possibly Damaging"; Align-GVGD: "Class C0"). ClinVar contains an entry for this variant (Variation ID: 871191). This variant has not been reported in the literature in individuals affected with NIPBL-related conditions. This variant is present in population databases (rs200692598, gnomAD no frequency). This sequence change replaces arginine, which is basic and polar, with glutamine, which is neutral and polar, at codon 154 of the NIPBL protein (p.Arg154Gln).

CeGaT Center for Human Genetics Tuebingen
Classification: Uncertain significance. Last evaluated: 2019-07-01. Review status: criteria provided, single submitter. Criteria: CeGaT Center For Human Genetics Tuebingen Variant Classification Criteria Version 2. Collection method: clinical testing. Allele origin: germline. Affected: yes. Observed: 2 variant alleles.

NM_133433.4(NIPBL):c.461G>A (p.Arg154Gln)

Gene: NIPBL (NIPBL cohesin loading factor; plus strand). Cytogenetic location: 5p13.2.
Variant type: single nucleotide variant.
Coding change: c.461G>A on transcript NM_133433.4 (MANE Select); coding-DNA position 461, G replaced by A.
Protein change: p.Arg154Gln; replaces arginine 154 with glutamine.
Molecular consequence: missense variant.
Genome position (GRCh38, 1-based): chr5:36,962,125, G>A. VCF-style: chr5-36962125-G-A. GRCh37 (hg19) VCF-style: chr5-36962227-G-A.
Other names: c.461G>A, p.Arg154Gln (NM_015384.5); short protein forms R154Q.
Identifiers: ClinVar variation 871191 (VCV000871191.44), dbSNP rs200692598, ClinGen allele CA3235852.